The following is an entry in ClinVar:

NM_032861.4(SERAC1):c.1491T>A (p.His497Gln)

Gene: SERAC1 (serine active site containing 1; minus strand). Cytogenetic location: 6q25.3.
Variant type: single nucleotide variant.
Coding change: c.1491T>A on transcript NM_032861.4 (MANE Select); coding-DNA position 1491, T replaced by A.
Protein change: p.His497Gln; replaces histidine 497 with glutamine.
Molecular consequence: missense variant. On other transcripts: non-coding transcript variant (1).
Genome position (GRCh38, 1-based): chr6:158,116,195, A>T on the plus strand (T>A on the coding strand, the complement: SERAC1 is on the minus strand). VCF-style: chr6-158116195-A-T. GRCh37 (hg19) VCF-style: chr6-158537227-A-T.
Other names: short protein forms H497Q.
Identifiers: ClinVar variation 424205 (VCV000424205.7), dbSNP rs1064796860, ClinGen allele CA16618270.

ClinVar aggregate classification (germline): Uncertain significance. Review status: criteria provided, multiple submitters, no conflicts (2 of 4 stars). 2 submissions from 2 submitters: Uncertain significance (2). Last evaluated 2022-05-04.

Conditions:
3-methylglutaconic aciduria with deafness, encephalopathy, and Leigh-like syndrome (MEGDEL). Also called: MEGDEL syndrome; 3-METHYLGLUTACONIC ACIDURIA, TYPE VI; SERAC1 Deficiency. Identifiers: Orphanet 352328, MedGen C4040739, MONDO:0013875, OMIM 614739.

Submissions (2):

Labcorp Genetics (formerly Invitae), Labcorp
Classification: Uncertain significance for 3-methylglutaconic aciduria with deafness, encephalopathy, and Leigh-like syndrome. Last evaluated: 2022-05-04. Review status: criteria provided, single submitter. Criteria: Invitae Variant Classification Sherloc (09022015). Collection method: clinical testing. Allele origin: germline.
Comment: In summary, the available evidence is currently insufficient to determine the role of this variant in disease. Therefore, it has been classified as a Variant of Uncertain Significance. Algorithms developed to predict the effect of missense changes on protein structure and function are either unavailable or do not agree on the potential impact of this missense change (SIFT: "Deleterious"; PolyPhen-2: "Probably Damaging"; Align-GVGD: "Class C15"). ClinVar contains an entry for this variant (Variation ID: 424205). This variant has not been reported in the literature in individuals affected with SERAC1-related conditions. This variant is not present in population databases (gnomAD no frequency). This sequence change replaces histidine, which is basic and polar, with glutamine, which is neutral and polar, at codon 497 of the SERAC1 protein (p.His497Gln).

GeneDx
Classification: Uncertain significance. Last evaluated: 2017-03-22. Review status: criteria provided, single submitter. Criteria: GeneDx Variant Classification (06012015). Collection method: clinical testing. Allele origin: germline. Affected: yes.
Comment: The H497Q variant has not been published as a pathogenic variant, nor has it been reported as a benign variant to our knowledge. The H497Q variant is not observed in large population cohorts (Lek et al., 2016; 1000 Genomes Consortium et al., 2015; Exome Variant Server). The H497Q variant is a semi-conservative amino acid substitution, which may impact secondary protein structure as these residues differ in some properties. This substitution occurs at a position that is conserved across species. In silico analysis predicts this variant is probably damaging to the protein structure/function. In summary, based on the currently available information, it is unclear whether this variant is a pathogenic variant or a rare benign variant.